The following is an entry in ClinVar:

ClinVar aggregate classification (germline): Uncertain significance (1 of 4 stars; one submission).

Conditions:
Axenfeld-Rieger syndrome type 3 (RIEG3). Also called: AXENFELD-RIEGER ANOMALY WITH CARDIAC DEFECTS AND/OR SENSORINEURAL HEARING LOSS. Identifiers: Orphanet 782, MedGen C2678503, MONDO:0011233, OMIM 602482.

Submission:

Labcorp Genetics (formerly Invitae), Labcorp
Classification: Uncertain significance for Axenfeld-Rieger syndrome type 3. Last evaluated: 2023-11-25. Review status: criteria provided, single submitter. Criteria: Invitae Variant Classification Sherloc (09022015). Collection method: clinical testing. Allele origin: germline.
Comment: A copy number gain of the genomic region encompassing the full coding sequence of the FOXC1 gene has been identified. The boundaries of this event are unknown as they extend beyond the assayed region for this gene and therefore may encompass additional genes. As the precise location of this event is unknown, it may be in tandem or it may be located elsewhere in the genome. A similar copy number variant has been observed in individual(s) with clinical features of anterior segment dysgenesis (PMID: 28513611, 30653986). Experimental studies and prediction algorithms are not available or were not evaluated, and the functional significance of this variant is currently unknown. In summary, the available evidence is currently insufficient to determine the role of this variant in disease. Therefore, it has been classified as a Variant of Uncertain Significance.

Literature cited by the submitters: PubMed 28513611; PubMed 30653986.

NC_000006.11:g.(?_1610681)_(1612342_?)dup

Gene: FOXC1 (forkhead box C1; plus strand). Cytogenetic location: 6p25.3.
Variant type: Duplication.
Identifiers: ClinVar variation 1421279 (VCV001421279.7).